The following is an entry in ClinVar:

NM_006420.3(ARFGEF2):c.3901G>A (p.Val1301Ile)

Gene: ARFGEF2 (ARF guanine nucleotide exchange factor 2; plus strand). Cytogenetic location: 20q13.13.
Variant type: single nucleotide variant.
Coding change: c.3901G>A on transcript NM_006420.3 (MANE Select); coding-DNA position 3901, G replaced by A.
Protein change: p.Val1301Ile; replaces valine 1301 with isoleucine.
Molecular consequence: missense variant.
Genome position (GRCh38, 1-based): chr20:49,012,067, G>A. VCF-style: chr20-49012067-G-A. GRCh37 (hg19) VCF-style: chr20-47628604-G-A.
Other names: c.3901G>A (NM_006420.2); c.3898G>A, p.Val1300Ile (NM_001410846.1); short protein forms V1300I, V1301I.
Identifiers: ClinVar variation 2064842 (VCV002064842.3), dbSNP rs777898909, ClinGen allele CA9899068.

ClinVar aggregate classification (germline): Uncertain significance. Review status: criteria provided, multiple submitters, no conflicts (2 of 4 stars). 2 submissions from 2 submitters: Uncertain significance (2). Last evaluated 2025-09-01.

Conditions:
Inborn genetic diseases. Identifiers: MedGen C0950123, MeSH D030342.

Allele frequency attached by ClinVar (database versions not stated): ExAC 0.00002; gnomAD 0.00002; TOPMed 0.00006.
gnomAD v4.1: 24 of 1,614,054 alleles (0.0015%); highest among the groups gnomAD compares: Admixed American, 0.018%; no homozygotes.

Submissions (2):

Ambry Genetics
Classification: Uncertain significance for Inborn genetic diseases. Last evaluated: 2025-09-01. Review status: criteria provided, single submitter. Criteria: Ambry Variant Classification Scheme 2023. Collection method: clinical testing. Allele origin: germline.

Labcorp Genetics (formerly Invitae), Labcorp
Classification: Uncertain significance. Last evaluated: 2023-06-29. Review status: criteria provided, single submitter. Criteria: Invitae Variant Classification Sherloc (09022015). Collection method: clinical testing. Allele origin: germline.
Comment: In summary, the available evidence is currently insufficient to determine the role of this variant in disease. Therefore, it has been classified as a Variant of Uncertain Significance. An algorithm developed to predict the effect of missense changes on protein structure and function (PolyPhen-2) suggests that this variant¬†is likely to be tolerated. ClinVar contains an entry for this variant (Variation ID: 2064842). This variant has not been reported in the literature in individuals affected with ARFGEF2-related conditions. This variant is present in population databases (rs777898909, gnomAD 0.02%). This sequence change replaces valine, which is neutral and non-polar, with isoleucine, which is neutral and non-polar, at codon 1301 of the ARFGEF2 protein (p.Val1301Ile).